The following is an entry in ClinVar:

NM_203447.4(DOCK8):c.6239+15G>C

Gene: DOCK8 (dedicator of cytokinesis 8; plus strand). Cytogenetic location: 9p24.3.
Variant type: single nucleotide variant.
Coding change: c.6239+15G>C on transcript NM_203447.4 (MANE Select); 15 bases into the intron after coding-DNA position 6239, G replaced by C.
Molecular consequence: intron variant.
Genome position (GRCh38, 1-based): chr9:463,702, G>C. VCF-style: chr9-463702-G-C. GRCh37 (hg19) VCF-style: chr9-463702-G-C.
Other names: c.6035+15G>C (NM_001193536.2); c.5939+15G>C (NM_001190458.2).
Identifiers: ClinVar variation 676712 (VCV000676712.10), dbSNP rs544740580, ClinGen allele CA4959748.

ClinVar aggregate classification (germline): Likely benign. Review status: criteria provided, multiple submitters, no conflicts (2 of 4 stars). 3 submissions from 3 submitters: Likely benign (3). Last evaluated 2025-12-23.

Conditions:
Combined immunodeficiency due to DOCK8 deficiency (HIES2). Also called: HIES autosomal recessive; Hyper-IgE recurrent infection syndrome, autosomal recessive; HYPER-IgE SYNDROME 2, AUTOSOMAL RECESSIVE, WITH RECURRENT INFECTIONS; HYPER-IgE RECURRENT INFECTION SYNDROME 2, AUTOSOMAL RECESSIVE; DOCK8 Deficiency. Identifiers: Orphanet 217390, MedGen C4722305, MONDO:0009478, OMIM 243700.

Allele frequency attached by ClinVar (database versions not stated): 1000 Genomes Project 30x 0.00094; 1000 Genomes Project 0.00100; gnomAD exomes 0.00007 and 0.00011; ExAC 0.00013; gnomAD 0.00018 and 0.00021; TOPMed 0.00027.
gnomAD v4.1: 132 of 1,613,744 alleles (0.0082%); highest among the groups gnomAD compares: African/African-American, 0.065%; 1 homozygote.

Submissions (3):

Labcorp Genetics (formerly Invitae), Labcorp
Classification: Likely benign for Combined immunodeficiency due to DOCK8 deficiency. Last evaluated: 2025-12-23. Review status: criteria provided, single submitter. Criteria: Invitae Variant Classification Sherloc (09022015). Collection method: clinical testing. Allele origin: germline.

Blueprint Genetics
Classification: Likely benign. Last evaluated: 2024-10-08. Review status: criteria provided, single submitter. Criteria: ACMG Guidelines, 2015. Collection method: clinical testing. Allele origin: germline.

GeneDx
Classification: Likely benign. Last evaluated: 2018-03-19. Review status: criteria provided, single submitter. Criteria: GeneDx Variant Classification (06012015). Collection method: clinical testing. Allele origin: germline. Affected: yes.
Comment: This variant is considered likely benign or benign based on one or more of the following criteria: it is a conservative change, it occurs at a poorly conserved position in the protein, it is predicted to be benign by multiple in silico algorithms, and/or has population frequency not consistent with disease.